The following is an entry in ClinVar:

NM_006030.4(CACNA2D2):c.3180T>A (p.Ala1060=)

Genes: CACNA2D2 (calcium voltage-gated channel auxiliary subunit alpha2delta 2; minus strand), LOC127898564 (CYB561D2-LOC101928965; plus strand). Cytogenetic location: 3p21.31.
Variant type: single nucleotide variant.
Coding change: c.3180T>A on transcript NM_006030.4 (MANE Select); coding-DNA position 3180, T replaced by A.
Protein change: p.Ala1060=; no amino-acid change (alanine 1060 retained).
Molecular consequence: synonymous variant.
Genome position (GRCh38, 1-based): chr3:50,365,103, A>T on the plus strand (T>A on the coding strand, the complement: CACNA2D2 is on the minus strand). VCF-style: chr3-50365103-A-T. GRCh37 (hg19) VCF-style: chr3-50402534-A-T.
Other names: c.3180T>A, p.Ala1060= (NM_001005505.3); c.3201T>A, p.Ala1067= (NM_001174051.3); c.2973T>A, p.Ala991= (NM_001291101.1); c.3180T>A (NM_006030.3).
Identifiers: ClinVar variation 1129094 (VCV001129094.9), dbSNP rs138596435, ClinGen allele CA2418195.

ClinVar aggregate classification (germline): Likely benign. Review status: criteria provided, multiple submitters, no conflicts (2 of 4 stars). 2 submissions from 2 submitters: Likely benign (2). Last evaluated 2025-11-12.

Conditions:
CACNA2D2-related disorder. Also called: CACNA2D2-related condition.
Early-infantile DEE. Also called: Ohtahara syndrome; Early infantile epileptic encephalopathy with suppression bursts; Early infantile epileptic encephalopathy. Identifiers: Orphanet 1934, MedGen C0393706, MONDO:0800491.

Allele frequency attached by ClinVar (database versions not stated): gnomAD exomes 0.00002 and 0.00003; ExAC 0.00005; gnomAD 0.00009 and 0.00011; TOPMed 0.00017; ESP Exome Variant Server 0.00031.
gnomAD v4.1: 38 of 1,611,844 alleles (0.0024%); highest among the groups gnomAD compares: African/African-American, 0.041%; no homozygotes.

Submissions (2):

Labcorp Genetics (formerly Invitae), Labcorp
Classification: Likely benign for Early-infantile DEE. Last evaluated: 2025-11-12. Review status: criteria provided, single submitter. Criteria: Invitae Variant Classification Sherloc (09022015). Collection method: clinical testing. Allele origin: germline.

PreventionGenetics, part of Exact Sciences
Classification: Likely benign for CACNA2D2-related condition. Last evaluated: 2025-01-31. Review status: criteria provided, single submitter. Criteria: ACMG Guidelines, 2015. Collection method: clinical testing. Allele origin: germline.
Comment: This variant is classified as likely benign based on ACMG/AMP sequence variant interpretation guidelines (Richards et al. 2015 PMID: 25741868, with internal and published modifications).